The following is an entry in ClinVar:

ClinVar aggregate classification (germline): Uncertain significance (1 of 4 stars; one submission).

gnomAD v4.1: 1 of 1,613,852 alleles (0.000062%); highest among the groups gnomAD compares: Non-Finnish European, 0.000085%; no homozygotes.

Submission:

Labcorp Genetics (formerly Invitae), Labcorp
Classification: Uncertain significance. Last evaluated: 2024-05-23. Review status: criteria provided, single submitter. Criteria: Invitae Variant Classification Sherloc (09022015). Collection method: clinical testing. Allele origin: germline.
Comment: This sequence change replaces alanine, which is neutral and non-polar, with serine, which is neutral and polar, at codon 676 of the RPS6KC1 protein (p.Ala676Ser). This variant is not present in population databases (gnomAD no frequency). This variant has not been reported in the literature in individuals affected with RPS6KC1-related conditions. An algorithm developed to predict the effect of missense changes on protein structure and function (PolyPhen-2) suggests that this variant is likely to be disruptive. In summary, the available evidence is currently insufficient to determine the role of this variant in disease. Therefore, it has been classified as a Variant of Uncertain Significance.

NM_012424.6(RPS6KC1):c.2026G>T (p.Ala676Ser)

Gene: RPS6KC1 (ribosomal protein S6 kinase C1; plus strand). Cytogenetic location: 1q32.3.
Variant type: single nucleotide variant.
Coding change: c.2026G>T on transcript NM_012424.6 (MANE Select); coding-DNA position 2026, G replaced by T.
Protein change: p.Ala676Ser; replaces alanine 676 with serine.
Molecular consequence: missense variant. On other transcripts: non-coding transcript variant (4).
Genome position (GRCh38, 1-based): chr1:213,241,502, G>T. VCF-style: chr1-213241502-G-T. GRCh37 (hg19) VCF-style: chr1-213414845-G-T.
Other names: c.970G>T, p.Ala324Ser (NM_001349659.2, NM_001349660.2, NM_001349661.2 and 1 more transcripts); c.631G>T, p.Ala211Ser (NM_001349663.2, NM_001349664.2, NM_001349665.2 and 8 more transcripts); c.1663G>T, p.Ala555Ser (NM_001349647.2); c.1483G>T, p.Ala495Ser (NM_001349648.2, NM_001349649.2, NM_001349650.2 and 4 more transcripts); c.1390G>T, p.Ala464Ser (NM_001349654.2, NM_001287218.3, NM_001287219.3); c.1135G>T, p.Ala379Ser (NM_001349657.2, NM_001349658.2); c.1933G>T, p.Ala645Ser (NM_001349646.2); c.1990G>T, p.Ala664Ser (NM_001136138.4); short protein forms A645S, A664S, A211S, A324S, A555S, A379S, A464S, A495S.
Identifiers: ClinVar variation 3654319 (VCV003654319.2).